The following is an entry in ClinVar:

ClinVar aggregate classification (germline): Pathogenic. Review status: criteria provided, multiple submitters, no conflicts (2 of 4 stars). 5 submissions from 5 submitters: Pathogenic (4). 1 of the submissions does not count toward it. Last evaluated 2024-12-19.

Conditions:
MAGT1-related disorder. Also called: MAGT1-related condition.
X-linked immunodeficiency with magnesium defect, Epstein-Barr virus infection and neoplasia. Identifiers: Orphanet 317476, MedGen C3275445, MONDO:0010455, OMIM 300853.

Submissions (5):

Genomic Medicine Center of Excellence, King Faisal Specialist Hospital and Research Centre
Classification: Pathogenic for X-linked immunodeficiency with magnesium defect, Epstein-Barr virus infection and neoplasia. Last evaluated: 2024-12-19. Review status: criteria provided, single submitter. Criteria: ACMG Guidelines, 2015. Collection method: clinical testing. Allele origin: germline.

GeneDx
Classification: Pathogenic. Last evaluated: 2023-09-21. Review status: criteria provided, single submitter. Criteria: GeneDx Variant Classification Process June 2021. Collection method: clinical testing. Allele origin: germline. Affected: yes.
Comment: Nonsense variant predicted to result in protein truncation or nonsense mediated decay in a gene for which loss of function is a known mechanism of disease; Not observed at significant frequency in large population cohorts (gnomAD); This variant is associated with the following publications: (PMID: 30470981, 25504528)

Blueprint Genetics
Classification: Pathogenic for MAGT1-related disorders. Last evaluated: 2023-04-11. Review status: criteria provided, single submitter. Criteria: ACMG Guidelines, 2015. Collection method: clinical testing. Allele origin: germline. Affected: yes. Observed: 2 variant alleles.

Laboratory of Molecular Genetics (Pr. Bezieau's lab), CHU de Nantes
Classification: Pathogenic for X-linked immunodeficiency with magnesium defect, Epstein-Barr virus infection and neoplasia. Last evaluated: 2023-01-12. Review status: criteria provided, single submitter. Criteria: ACMG Guidelines, 2015. Collection method: clinical testing. Allele origin: germline. Affected: yes.

OMIM
Classification: Pathogenic for IMMUNODEFICIENCY, X-LINKED, WITH MAGNESIUM DEFECT, EPSTEIN-BARR VIRUS INFECTION, AND NEOPLASIA. Last evaluated: 2019-08-26. Review status: no assertion criteria provided. Collection method: literature only. Allele origin: germline. Not counted in ClinVar's aggregate classification.

Literature cited by the submitters: PubMed 25504528 (cited by OMIM).

NM_001367916.1(MAGT1):c.616C>T (p.Arg206Ter)

Gene: MAGT1 (magnesium transporter 1; minus strand). Cytogenetic location: Xq21.1.
Variant type: single nucleotide variant.
Coding change: c.616C>T on transcript NM_001367916.1 (MANE Select); coding-DNA position 616, C replaced by T.
Protein change: p.Arg206Ter; replaces arginine 206 with a stop codon.
Molecular consequence: nonsense.
Genome position (GRCh38, 1-based): chrX:77,856,789, G>A on the plus strand (C>T on the coding strand, the complement: MAGT1 is on the minus strand). VCF-style: chrX-77856789-G-A. GRCh37 (hg19) VCF-style: chrX-77112286-G-A.
Other names: c.712C>T, p.Arg238Ter (NM_032121.5); short protein forms R238*, R206*.
Identifiers: ClinVar variation 689409 (VCV000689409.5), dbSNP rs879989957, ClinGen allele CA413713708.
Genomic context (GRCh38, chrX:77,856,789, plus strand): 5'-TCACCAAAGCTGCAAAAGCCCATCCAGTTTTATTAAAGAGAAATTCCATATTACTTCTTC[G>A]AAGATACACAAGTCCACCAATAACAGCCAAAAGCAATCCCAACATAAGGGGACCAGCATA-3'